The following is an entry in ClinVar:

ClinVar aggregate classification (germline): Pathogenic (1 of 4 stars; one submission).

Conditions:
Nemaline myopathy 2 (NEM2). Also called: Nemaline myopathy 2, autosomal recessive. Identifiers: MedGen C1850569, MONDO:0009725, OMIM 256030.

Submission:

Labcorp Genetics (formerly Invitae), Labcorp
Classification: Pathogenic for Nemaline myopathy 2. Last evaluated: 2023-03-13. Review status: criteria provided, single submitter. Criteria: Invitae Variant Classification Sherloc (09022015). Collection method: clinical testing. Allele origin: germline.
Comment: This sequence change creates a premature translational stop signal (p.Asp5862Glufs*3) in the NEB gene. It is expected to result in an absent or disrupted protein product. Loss-of-function variants in NEB are known to be pathogenic (PMID: 25205138). For these reasons, this variant has been classified as Pathogenic. This variant has not been reported in the literature in individuals affected with NEB-related conditions. This variant is not present in population databases (gnomAD no frequency).

Literature cited by the submitters: PubMed 25205138.

NM_001164508.2(NEB):c.17586_17587del (p.Asp5862fs)

Gene: NEB (nebulin; minus strand). Cytogenetic location: 2q23.3.
Variant type: Deletion.
Coding change: c.17586_17587del on transcript NM_001164508.2 (MANE Select); coding-DNA positions 17586 to 17587, 2 bases deleted (CA; older notation c.17586_17587delCA).
Protein change: p.Asp5862fs; shifts the reading frame from aspartic acid 5862.
Molecular consequence: frameshift variant.
Genome position (GRCh38, 1-based): chr2:151,568,665-151,568,666, TG deleted on the plus strand (CA on the coding strand, the reverse complement: NEB is on the minus strand); deleting any 2 consecutive bases within chr2:151,568,665-151,568,667 gives the same sequence; the c. name uses the placement nearest the transcript's 3' end. VCF-style (leftmost placement, unchanged base first): chr2-151568664-CTG-C. GRCh37 (hg19) VCF-style: chr2-152425178-CTG-C.
Other names: c.17586_17587del, p.Asp5862fs (NM_001164507.2, NM_001271208.2); c.12483_12484del, p.Asp4161fs (NM_004543.5); short protein forms D5862fs, D4161fs.
Identifiers: ClinVar variation 2835565 (VCV002835565.3), dbSNP rs2552194827, ClinGen allele CA2739271345.